The following is an entry in ClinVar:

NM_032861.4(SERAC1):c.89T>C (p.Ile30Thr)

Gene: SERAC1 (serine active site containing 1; minus strand). Cytogenetic location: 6q25.3.
Variant type: single nucleotide variant.
Coding change: c.89T>C on transcript NM_032861.4 (MANE Select); coding-DNA position 89, T replaced by C.
Protein change: p.Ile30Thr; replaces isoleucine 30 with threonine.
Molecular consequence: missense variant. On other transcripts: non-coding transcript variant (1).
Genome position (GRCh38, 1-based): chr6:158,158,275, A>G on the plus strand (T>C on the coding strand, the complement: SERAC1 is on the minus strand). VCF-style: chr6-158158275-A-G. GRCh37 (hg19) VCF-style: chr6-158579307-A-G.
Other names: p.I30T:ATC>ACC; short protein forms I30T.
Identifiers: ClinVar variation 139091 (VCV000139091.19), dbSNP rs34270473, ClinGen allele CA293460.

ClinVar aggregate classification (germline): Benign/Likely benign. Review status: criteria provided, multiple submitters, no conflicts (2 of 4 stars). 6 submissions from 6 submitters: Benign (2); Likely benign (3). 1 of the submissions does not count toward it. Last evaluated 2026-02-01.

Conditions:
3-methylglutaconic aciduria with deafness, encephalopathy, and Leigh-like syndrome (MEGDEL). Also called: 3-METHYLGLUTACONIC ACIDURIA, TYPE VI; SERAC1 Deficiency; MEGDEL syndrome. Identifiers: Orphanet 352328, MedGen C4040739, MONDO:0013875, OMIM 614739.

Allele frequency attached by ClinVar (database versions not stated): gnomAD exomes 0.00092 and 0.00245; gnomAD 0.01029 and 0.00969; 1000 Genomes Project 0.01058; TOPMed 0.01076; ESP Exome Variant Server 0.01084; 1000 Genomes Project 30x 0.01124; ExAC 0.00306.
gnomAD v4.1: 2,866 of 1,596,892 alleles (0.18%); highest among the groups gnomAD compares: African/African-American, 3.3%; 49 homozygotes.

Submissions (6):

Labcorp Genetics (formerly Invitae), Labcorp
Classification: Benign for 3-methylglutaconic aciduria with deafness, encephalopathy, and Leigh-like syndrome. Last evaluated: 2026-02-01. Review status: criteria provided, single submitter. Criteria: Invitae Variant Classification Sherloc (09022015). Collection method: clinical testing. Allele origin: germline.

Genome-Nilou Lab
Classification: Likely benign for 3-methylglutaconic aciduria with deafness, encephalopathy, and Leigh-like syndrome. Last evaluated: 2022-03-15. Review status: criteria provided, single submitter. Criteria: ACMG Guidelines, 2015. Collection method: clinical testing. Allele origin: germline. Affected: no.

Center for Pediatric Genomic Medicine, Children's Mercy Hospital and Clinics
Classification: Likely benign. Last evaluated: 2016-10-11. Review status: criteria provided, single submitter. Criteria: ACMG Guidelines, 2015. Collection method: clinical testing. Allele origin: germline.
ClinVar note: Converted during submission from Likely Benign to Likely benign.

GeneDx
Classification: Benign. Last evaluated: 2014-02-09. Review status: criteria provided, single submitter. Criteria: GeneDx Variant Classification (06012015). Collection method: clinical testing. Allele origin: germline. Affected: yes.
Comment: This variant is considered likely benign or benign based on one or more of the following criteria: it is a conservative change, it occurs at a poorly conserved position in the protein, it is predicted to be benign by multiple in silico algorithms, and/or has population frequency not consistent with disease.

Breakthrough Genomics
Classification: Likely benign. Review status: criteria provided, single submitter. Criteria: ACMG Guidelines, 2015. Collection method: not provided. Allele origin: germline. Inheritance: Autosomal recessive inheritance. Affected: yes.

Mayo Clinic Laboratories, Mayo Clinic
Classification: Likely benign. Last evaluated: 2016-02-29. Review status: no assertion criteria provided. Collection method: clinical testing. Allele origin: unknown. Not counted in ClinVar's aggregate classification.